The following is an entry in ClinVar:

ClinVar aggregate classification (germline): Likely benign. Review status: criteria provided, single submitter (1 of 4 stars). 2 submissions from 2 submitters: Likely benign (1). 1 of the submissions does not count toward it. Last evaluated 2025-10-22.

Conditions:
FAT4-related disorder. Also called: FAT4-related condition.

Allele frequency attached by ClinVar (database versions not stated): ExAC 0.00001; gnomAD 0.00003; gnomAD exomes 0.00001; TOPMed 0.00003.
gnomAD v4.1: 19 of 1,613,854 alleles (0.0012%); highest among the groups gnomAD compares: African/African-American, 0.0053%; no homozygotes.

Submissions (2):

Labcorp Genetics (formerly Invitae), Labcorp
Classification: Likely benign. Last evaluated: 2025-10-22. Review status: criteria provided, single submitter. Criteria: Invitae Variant Classification Sherloc (09022015). Collection method: clinical testing. Allele origin: germline.

PreventionGenetics, part of Exact Sciences
Classification: Likely benign for FAT4-related condition. Last evaluated: 2022-11-29. Review status: no assertion criteria provided. Collection method: clinical testing. Allele origin: germline. Not counted in ClinVar's aggregate classification.
Comment: This variant is classified as likely benign based on ACMG/AMP sequence variant interpretation guidelines (Richards et al. 2015 PMID: 25741868, with internal and published modifications).

NM_001291303.3(FAT4):c.3999C>T (p.Leu1333=)

Gene: FAT4 (FAT atypical cadherin 4; plus strand). Cytogenetic location: 4q28.1.
Variant type: single nucleotide variant.
Coding change: c.3999C>T on transcript NM_001291303.3 (MANE Select); coding-DNA position 3999, C replaced by T.
Protein change: p.Leu1333=; no amino-acid change (leucine 1333 retained).
Molecular consequence: synonymous variant.
Genome position (GRCh38, 1-based): chr4:125,320,410, C>T. VCF-style: chr4-125320410-C-T. GRCh37 (hg19) VCF-style: chr4-126241565-C-T.
Other names: c.3999C>T, p.Leu1333= (NM_001291285.3, NM_024582.6); c.3999C>T (NM_024582.4).
Identifiers: ClinVar variation 3000736 (VCV003000736.5), dbSNP rs761822656, ClinGen allele CA3072398.